The following is an entry in ClinVar:

ClinVar aggregate classification (germline): Uncertain significance (1 of 4 stars; one submission).

Conditions:
Early-infantile DEE. Also called: Early infantile epileptic encephalopathy with suppression bursts; Early infantile epileptic encephalopathy; Ohtahara syndrome. Identifiers: Orphanet 1934, MedGen C0393706, MONDO:0800491.

gnomAD v4.1: 2 of 1,612,454 alleles (0.00012%); highest among the groups gnomAD compares: South Asian, 0.0022%; no homozygotes.

Submission:

Labcorp Genetics (formerly Invitae), Labcorp
Classification: Uncertain significance for Early-infantile DEE. Last evaluated: 2025-04-09. Review status: criteria provided, single submitter. Criteria: Invitae Variant Classification Sherloc (09022015). Collection method: clinical testing. Allele origin: germline.
Comment: This sequence change replaces glutamine, which is neutral and polar, with proline, which is neutral and non-polar, at codon 1203 of the SCN1A protein (p.Gln1203Pro). This variant is not present in population databases (gnomAD no frequency). This variant has not been reported in the literature in individuals affected with SCN1A-related conditions. Invitae Evidence Modeling of protein sequence and biophysical properties (such as structural, functional, and spatial information, amino acid conservation, physicochemical variation, residue mobility, and thermodynamic stability) indicates that this missense variant is not expected to disrupt SCN1A protein function with a negative predictive value of 95%. In summary, the available evidence is currently insufficient to determine the role of this variant in disease. Therefore, it has been classified as a Variant of Uncertain Significance.

NM_001165963.4(SCN1A):c.3608A>C (p.Gln1203Pro)

Genes: SCN1A (sodium voltage-gated channel alpha subunit 1; minus strand), LOC102724058 (uncharacterized LOC102724058; plus strand). Cytogenetic location: 2q24.3.
Variant type: single nucleotide variant.
Coding change: c.3608A>C on transcript NM_001165963.4 (MANE Select); coding-DNA position 3608, A replaced by C.
Protein change: p.Gln1203Pro; replaces glutamine 1203 with proline.
Molecular consequence: missense variant. On other transcripts: non-coding transcript variant (1).
Genome position (GRCh38, 1-based): chr2:166,013,841, T>G on the plus strand (A>C on the coding strand, the complement: SCN1A is on the minus strand). VCF-style: chr2-166013841-T-G. GRCh37 (hg19) VCF-style: chr2-166870351-T-G.
Other names: c.3524A>C, p.Gln1175Pro (NM_001165964.3, NM_001353957.2, NM_001353958.2); c.3608A>C, p.Gln1203Pro (NM_001202435.3, NM_001353948.2); c.3575A>C, p.Gln1192Pro (NM_001353949.2, NM_001353950.2, NM_001353951.2 and 2 more transcripts); c.3572A>C, p.Gln1191Pro (NM_001353954.2, NM_001353955.2); c.3521A>C, p.Gln1174Pro (NM_001353960.2); c.1166A>C, p.Gln389Pro (NM_001353961.2); short protein forms Q1174P, Q1175P, Q1191P, Q1192P, Q1203P, Q389P.
Identifiers: ClinVar variation 4800272 (VCV004800272.1).
Genomic context (GRCh38, chr2:166,013,841, plus strand): 5'-AAGGTCTCAAACCAGTTATGTTCAACTATTCGGAAACACGTCCTTCTCAGGTTCCACCAT[T>G]GTTTTCCTCTGCCTTCTTCCACATTGATTTGACAACACTTGAATCTTTGTACACAGCCTG-3'
Protein context (NP_001159435.1, residues 1193-1213): QINVEEGRGK[Gln1203Pro]WWNLRRTCFR